The following is an entry in ClinVar:

NM_000350.3(ABCA4):c.1868A>G (p.Gln623Arg)

Gene: ABCA4 (ATP binding cassette subfamily A member 4; minus strand). Cytogenetic location: 1p22.1.
Variant type: single nucleotide variant.
Coding change: c.1868A>G on transcript NM_000350.3 (MANE Select); coding-DNA position 1868, A replaced by G.
Protein change: p.Gln623Arg; replaces glutamine 623 with arginine.
Molecular consequence: missense variant.
Genome position (GRCh38, 1-based): chr1:94,062,646, T>C on the plus strand (A>G on the coding strand, the complement: ABCA4 is on the minus strand). VCF-style: chr1-94062646-T-C. GRCh37 (hg19) VCF-style: chr1-94528202-T-C.
Other names: c.1868A>G, p.Gln623Arg (NM_001425324.1); short protein forms Q623R.
Identifiers: ClinVar variation 2733939 (VCV002733939.4), dbSNP rs1233316727, ClinGen allele CA341279389.

ClinVar aggregate classification (germline): Conflicting classifications of pathogenicity. Review status: criteria provided, conflicting classifications (1 of 4 stars). 2 submissions from 2 submitters: Likely pathogenic (1); Uncertain significance (1). Last evaluated 2023-02-03.

Conditions:
Retinal dystrophy. Also called: Inherited retinal dystrophy. Identifiers: Orphanet 71862, MedGen C0854723, MeSH D058499, MONDO:0019118, HP:0000556.

Allele frequency attached by ClinVar (database versions not stated): gnomAD exomes below 0.00001; TOPMed 0.00002.
gnomAD v4.1: 4 of 1,614,190 alleles (0.00025%); highest among the groups gnomAD compares: Non-Finnish European, 0.00034%; no homozygotes.

Submissions (2):

Labcorp Genetics (formerly Invitae), Labcorp
Classification: Likely pathogenic. Last evaluated: 2023-02-03. Review status: criteria provided, single submitter. Criteria: Invitae Variant Classification Sherloc (09022015). Collection method: clinical testing. Allele origin: germline.
Comment: This variant is not present in population databases (gnomAD no frequency). This missense change has been observed in individual(s) with clinical features of ABCA4-related conditions (PMID: 21911583, 32619608). Advanced modeling of protein sequence and biophysical properties (such as structural, functional, and spatial information, amino acid conservation, physicochemical variation, residue mobility, and thermodynamic stability) performed at Invitae indicates that this missense variant is expected to disrupt ABCA4 protein function. In summary, the currently available evidence indicates that the variant is pathogenic, but additional data are needed to prove that conclusively. Therefore, this variant has been classified as Likely Pathogenic. This sequence change replaces glutamine, which is neutral and polar, with arginine, which is basic and polar, at codon 623 of the ABCA4 protein (p.Gln623Arg).

Institute of Human Genetics, Univ. Regensburg, Univ. Regensburg
Classification: Uncertain significance for Retinal dystrophy. Last evaluated: 2012-01-01. Review status: criteria provided, single submitter. Criteria: ACMG Guidelines, 2015. Collection method: clinical testing. Allele origin: germline. Affected: yes.

Literature cited by the submitters: PubMed 21911583 (cited by Labcorp Genetics (formerly Invitae), Labcorp and Institute of Human Genetics, Univ. Regensburg, Univ. Regensburg); PubMed 32619608 (cited by Labcorp Genetics (formerly Invitae), Labcorp and Institute of Human Genetics, Univ. Regensburg, Univ. Regensburg); PubMed 35119454 (cited by Institute of Human Genetics, Univ. Regensburg, Univ. Regensburg); PubMed 36460718 (cited by Institute of Human Genetics, Univ. Regensburg, Univ. Regensburg).